The following is an entry in ClinVar:

NM_001384732.1(CPLANE1):c.8858G>A (p.Trp2953Ter)

Gene: CPLANE1 (ciliogenesis and planar polarity effector complex subunit 1; minus strand). Cytogenetic location: 5p13.2.
Variant type: single nucleotide variant.
Coding change: c.8858G>A on transcript NM_001384732.1 (MANE Select); coding-DNA position 8858, G replaced by A.
Protein change: p.Trp2953Ter; replaces tryptophan 2953 with a stop codon.
Molecular consequence: nonsense.
Genome position (GRCh38, 1-based): chr5:37,125,344, C>T on the plus strand (G>A on the coding strand, the complement: CPLANE1 is on the minus strand). VCF-style: chr5-37125344-C-T. GRCh37 (hg19) VCF-style: chr5-37125446-C-T.
Other names: c.8696G>A, p.Trp2899Ter (NM_023073.4); short protein forms W2899*, W2953*.
Identifiers: ClinVar variation 635069 (VCV000635069.2), dbSNP rs1482303814, ClinGen allele CA359499333.

ClinVar aggregate classification (germline): Likely pathogenic. Review status: criteria provided, multiple submitters, no conflicts (2 of 4 stars). 2 submissions from 2 submitters: Likely pathogenic (2). Last evaluated 2021-08-23.

Conditions:
Joubert syndrome 17 (JBTS17). Identifiers: Orphanet 475, MedGen C3553264, MONDO:0013824, OMIM 614615.

Allele frequency attached by ClinVar (database versions not stated): TOPMed below 0.00001; gnomAD 0.00001; gnomAD exomes 0.00001.
gnomAD v4.1: 4 of 1,613,792 alleles (0.00025%); highest among the groups gnomAD compares: Non-Finnish European, 0.00034%; no homozygotes.

Submissions (2):

Genetic Diagnostics Department, Viafet Genomics Laboratory
Classification: Likely pathogenic for Joubert syndrome 17. Last evaluated: 2021-08-23. Review status: criteria provided, single submitter. Criteria: ACMG Guidelines, 2015. Collection method: clinical testing. Allele origin: germline. Inheritance: Autosomal recessive inheritance. Affected: no. Observed: 1 variant allele, 1 heterozygote.
Comment: This variant is present in exon 45/51 in a position that is conserved across both transcripts of this gene (2/2). Several loss-of-function variants are reported as disease-causing in HGMD and/or ClinVar after this position.

Broad Center for Mendelian Genomics, Broad Institute of MIT and Harvard
Classification: Likely pathogenic for Joubert syndrome 17. Last evaluated: 2018-06-15. Review status: criteria provided, single submitter. Criteria: ACMG Guidelines, 2015. Collection method: research. Allele origin: germline. Inheritance: Autosomal recessive inheritance. Affected: yes.
Comment: This variant was absent from large population studies and computational prediction tools suggest that this variant may impact the protein, though this information is not predictive enough to determine pathogenicity. Loss of function of the C5ORF42 gene is an established disease mechanism in autosomal recessive Joubert syndrome, and this is a loss of function variant. In summary, although additional studies are required to fully establish its pathogenicity, this variant is likely pathogenic.